The following is an entry in ClinVar:

ClinVar aggregate classification (germline): Uncertain significance (1 of 4 stars; one submission).

Conditions:
Inborn genetic diseases. Identifiers: MedGen C0950123, MeSH D030342.

Submission:

Ambry Genetics
Classification: Uncertain significance for Inborn genetic diseases. Last evaluated: 2024-12-02. Review status: criteria provided, single submitter. Criteria: Ambry Variant Classification Scheme 2023. Collection method: clinical testing. Allele origin: germline.
Comment: The p.G505S variant (also known as c.1513G>A), located in coding exon 7 of the SH2B3 gene, results from a G to A substitution at nucleotide position 1513. The glycine at codon 505 is replaced by serine, an amino acid with similar properties. This amino acid position is conserved. In addition, this alteration is predicted to be tolerated by in silico analysis. Based on the available evidence, the clinical significance of this variant remains unclear.

NM_005475.3(SH2B3):c.1513G>A (p.Gly505Ser)

Gene: SH2B3 (SH2B adaptor protein 3; plus strand). Cytogenetic location: 12q24.12.
Variant type: single nucleotide variant.
Coding change: c.1513G>A on transcript NM_005475.3 (MANE Select); coding-DNA position 1513, G replaced by A.
Protein change: p.Gly505Ser; replaces glycine 505 with serine.
Molecular consequence: missense variant.
Genome position (GRCh38, 1-based): chr12:111,448,087, G>A. VCF-style: chr12-111448087-G-A. GRCh37 (hg19) VCF-style: chr12-111885891-G-A.
Other names: c.907G>A, p.Gly303Ser (NM_001291424.1); short protein forms G505S, G303S.
Identifiers: ClinVar variation 3440822 (VCV003440822.1).